The following is an entry in ClinVar:

ClinVar aggregate classification (germline): Conflicting classifications of pathogenicity. Review status: criteria provided, conflicting classifications (1 of 4 stars). 5 submissions from 5 submitters: Uncertain significance (4); Likely benign (1). Last evaluated 2026-01-18.

Conditions:
Progressive familial heart block type IB (PFHB1B). Identifiers: Orphanet 871, MedGen C1970298, MONDO:0011474, OMIM 604559.
Cardiovascular phenotype. Identifiers: MedGen CN230736.

Allele frequency attached by ClinVar (database versions not stated): TOPMed 0.00012; ExAC 0.00014; ESP Exome Variant Server 0.00023.
gnomAD v4.1: 162 of 1,612,836 alleles (0.01%); highest among the groups gnomAD compares: Middle Eastern, 0.05%; no homozygotes.

Submissions (6):

Labcorp Genetics (formerly Invitae), Labcorp
Classification: Uncertain significance for Progressive familial heart block type IB. Last evaluated: 2026-01-18. Review status: criteria provided, single submitter. Criteria: Invitae Variant Classification Sherloc (09022015). Collection method: clinical testing. Allele origin: germline.
Comment: This sequence change replaces arginine, which is basic and polar, with cysteine, which is neutral and slightly polar, at codon 337 of the TRPM4 protein (p.Arg337Cys). This variant is present in population databases (rs368950027, gnomAD 0.03%). This variant has not been reported in the literature in individuals affected with TRPM4-related conditions. ClinVar contains an entry for this variant (Variation ID: 546851). An algorithm developed to predict the effect of missense changes on protein structure and function (PolyPhen-2) suggests that this variant is likely to be disruptive. In summary, the available evidence is currently insufficient to determine the role of this variant in disease. Therefore, it has been classified as a Variant of Uncertain Significance.

CeGaT Center for Human Genetics Tuebingen
Classification: Uncertain significance. Last evaluated: 2025-09-01. Review status: criteria provided, single submitter. Criteria: CeGaT Center For Human Genetics Tuebingen Variant Classification Criteria Version 2. Collection method: clinical testing. Allele origin: germline. Affected: yes. Observed: 2 variant alleles.

Ambry Genetics
Classification: Uncertain significance for Cardiovascular phenotype. Last evaluated: 2025-01-27. Review status: criteria provided, single submitter. Criteria: Ambry Variant Classification Scheme 2023. Collection method: clinical testing. Allele origin: germline.
Comment: The p.R337C variant (also known as c.1009C>T), located in coding exon 8 of the TRPM4 gene, results from a C to T substitution at nucleotide position 1009. The arginine at codon 337 is replaced by cysteine, an amino acid with highly dissimilar properties. This amino acid position is highly conserved in available vertebrate species. In addition, the in silico prediction for this alteration is inconclusive. Since supporting evidence is limited at this time, the clinical significance of this alteration remains unclear.

Blueprint Genetics
Classification: Likely benign. Last evaluated: 2024-11-21. Review status: criteria provided, single submitter. Criteria: ACMG Guidelines, 2015. Collection method: clinical testing. Allele origin: germline.

GeneDx
Classification: Uncertain significance. Last evaluated: 2021-06-28. Review status: criteria provided, single submitter. Criteria: GeneDx Variant Classification Process June 2021. Collection method: clinical testing. Allele origin: germline. Affected: yes.
Comment: Has not been previously published as pathogenic or benign to our knowledge; In silico analysis, which includes protein predictors and evolutionary conservation, supports a deleterious effect; Reported in ClinVar as a variant of uncertain significance (ClinVar Variant ID# 546851; Landrum et al., 2016); This variant is associated with the following publications: (PMID: 27535533)

Dr. Peter K. Rogan Lab, Western University
No classification provided (evidence only). Condition: Uterine corpus endometrial carcinoma. Review status: no classification provided. Collection method: in vitro. Allele origin: not applicable. Functional consequence: retained intron. Not counted in ClinVar's aggregate classification.

NM_017636.4(TRPM4):c.1009C>T (p.Arg337Cys)

Gene: TRPM4 (transient receptor potential cation channel subfamily M member 4; plus strand). Cytogenetic location: 19q13.33.
Variant type: single nucleotide variant.
Coding change: c.1009C>T on transcript NM_017636.4 (MANE Select); coding-DNA position 1009, C replaced by T.
Protein change: p.Arg337Cys; replaces arginine 337 with cysteine.
Molecular consequence: missense variant. On other transcripts: 5 prime UTR variant (1).
Genome position (GRCh38, 1-based): chr19:49,171,728, C>T. VCF-style: chr19-49171728-C-T. GRCh37 (hg19) VCF-style: chr19-49674985-C-T.
Other names: c.1009C>T, p.Arg337Cys (NM_001195227.2); c.664C>T, p.Arg222Cys (NM_001321281.2); c.-545C>T (NM_001321282.2); c.487C>T, p.Arg163Cys (NM_001321283.2); c.160C>T, p.Arg54Cys (NM_001321285.2); short protein forms R337C, R222C, R54C, R163C.
Identifiers: ClinVar variation 546851 (VCV000546851.58), dbSNP rs368950027, ClinGen allele CA9569040.